The following is an entry in ClinVar:

ClinVar aggregate classification (germline): Benign. Review status: criteria provided, multiple submitters, no conflicts (2 of 4 stars). 3 submissions from 3 submitters: Benign (2). 1 of the submissions does not count toward it. Last evaluated 2018-04-19.

Conditions:
APBA2-related disorder. Also called: APBA2-related condition.

Allele frequency attached by ClinVar (database versions not stated): gnomAD exomes 0.00013 and 0.00037; ExAC 0.00054; gnomAD 0.00154 and 0.00165; 1000 Genomes Project 0.00180; TOPMed 0.00180; 1000 Genomes Project 30x 0.00219; ESP Exome Variant Server 0.00246.
gnomAD v4.1: 437 of 1,614,204 alleles (0.027%); highest among the groups gnomAD compares: African/African-American, 0.5%; 1 homozygote.

Submissions (3):

Labcorp Genetics (formerly Invitae), Labcorp
Classification: Benign. Last evaluated: 2018-04-19. Review status: criteria provided, single submitter. Criteria: Invitae Variant Classification Sherloc (09022015). Collection method: clinical testing. Allele origin: germline.

Breakthrough Genomics
Classification: Benign. Review status: criteria provided, single submitter. Criteria: ACMG Guidelines, 2015. Collection method: not provided. Allele origin: germline. Inheritance: Unknown mechanism. Affected: yes.

PreventionGenetics, part of Exact Sciences
Classification: Likely benign for APBA2-related condition. Last evaluated: 2019-04-01. Review status: no assertion criteria provided. Collection method: clinical testing. Allele origin: germline. Not counted in ClinVar's aggregate classification.
Comment: This variant is classified as likely benign based on ACMG/AMP sequence variant interpretation guidelines (Richards et al. 2015 PMID: 25741868, with internal and published modifications).

NM_001353788.2(APBA2):c.303C>T (p.Ile101=)

Gene: APBA2 (amyloid beta precursor protein binding family A member 2; plus strand). Cytogenetic location: 15q13.1.
Variant type: single nucleotide variant.
Coding change: c.303C>T on transcript NM_001353788.2 (MANE Select); coding-DNA position 303, C replaced by T.
Protein change: p.Ile101=; no amino-acid change (isoleucine 101 retained).
Molecular consequence: synonymous variant.
Genome position (GRCh38, 1-based): chr15:29,054,187, C>T. VCF-style: chr15-29054187-C-T. GRCh37 (hg19) VCF-style: chr15-29346390-C-T.
Other names: c.303C>T, p.Ile101= (NM_001130414.1, NM_001353789.2, NM_001353790.2 and 6 more transcripts).
Identifiers: ClinVar variation 790687 (VCV000790687.6), dbSNP rs142673699, ClinGen allele CA7445071.